The following is an entry in ClinVar:

NM_182961.4(SYNE1):c.19260+3A>G

Gene: SYNE1 (spectrin repeat containing nuclear envelope protein 1; minus strand). Cytogenetic location: 6q25.2.
Variant type: single nucleotide variant.
Coding change: c.19260+3A>G on transcript NM_182961.4 (MANE Select); 3 bases into the intron after coding-DNA position 19260, A replaced by G.
Molecular consequence: intron variant.
Genome position (GRCh38, 1-based): chr6:152,255,588, T>C on the plus strand (A>G on the coding strand, the complement: SYNE1 is on the minus strand). VCF-style: chr6-152255588-T-C. GRCh37 (hg19) VCF-style: chr6-152576723-T-C.
Other names: c.19047+3A>G (NM_033071.5).
Identifiers: ClinVar variation 2082432 (VCV002082432.3), dbSNP rs765560354, ClinGen allele CA4054724.

ClinVar aggregate classification (germline): Uncertain significance (1 of 4 stars; one submission).

Conditions:
Emery-Dreifuss muscular dystrophy 4, autosomal dominant (EDMD4). Also called: EMERY-DREIFUSS MUSCULAR DYSTROPHY 4 WITH VARIABLE FEATURES. Identifiers: Orphanet 261, MedGen C2751807, MONDO:0013071, OMIM 612998.
Autosomal recessive ataxia, Beauce type. Also called: SYNE1 Deficiency; Spinocerebellar ataxia, autosomal recessive 8; ATAXIA, RECESSIVE, OF BEAUCE; SYNE1-Related Autosomal Recessive Cerebellar Ataxia. Identifiers: Orphanet 88644, MedGen C1853116, MONDO:0012549, OMIM 610743.

Allele frequency attached by ClinVar (database versions not stated): gnomAD 0.00001; gnomAD exomes 0.00001; ExAC 0.00002; TOPMed 0.00003.
gnomAD v4.1: 21 of 1,614,084 alleles (0.0013%); highest among the groups gnomAD compares: East Asian, 0.013%; no homozygotes.

Submission:

Labcorp Genetics (formerly Invitae), Labcorp
Classification: Uncertain significance for Emery-Dreifuss muscular dystrophy 4, autosomal dominant; Autosomal recessive ataxia, Beauce type. Last evaluated: 2022-11-08. Review status: criteria provided, single submitter. Criteria: Invitae Variant Classification Sherloc (09022015). Collection method: clinical testing. Allele origin: germline.
Comment: This sequence change falls in intron 102 of the SYNE1 gene. It does not directly change the encoded amino acid sequence of the SYNE1 protein. It affects a nucleotide within the consensus splice site. This variant is present in population databases (rs765560354, gnomAD 0.003%). This variant has not been reported in the literature in individuals affected with SYNE1-related conditions. Variants that disrupt the consensus splice site are a relatively common cause of aberrant splicing (PMID: 17576681, 9536098). Algorithms developed to predict the effect of sequence changes on RNA splicing suggest that this variant is not likely to affect RNA splicing. In summary, the available evidence is currently insufficient to determine the role of this variant in disease. Therefore, it has been classified as a Variant of Uncertain Significance.

Literature cited by the submitters: PubMed 17576681; PubMed 9536098.